The following is an entry in ClinVar:

NM_001365276.2(TNXB):c.1537G>A (p.Val513Met)

Gene: TNXB (tenascin XB; minus strand). Cytogenetic location: 6p21.33.
Variant type: single nucleotide variant.
Coding change: c.1537G>A on transcript NM_001365276.2 (MANE Select); coding-DNA position 1537, G replaced by A.
Protein change: p.Val513Met; replaces valine 513 with methionine.
Molecular consequence: missense variant.
Genome position (GRCh38, 1-based): chr6:32,096,316, C>T on the plus strand (G>A on the coding strand, the complement: TNXB is on the minus strand). VCF-style: chr6-32096316-C-T. GRCh37 (hg19) VCF-style: chr6-32064093-C-T.
Other names: c.1537G>A, p.Val513Met (NM_001428335.1, NM_019105.8); short protein forms V513M.
Identifiers: ClinVar variation 3459799 (VCV003459799.1).

ClinVar aggregate classification (germline): Uncertain significance (1 of 4 stars; one submission).

Conditions:
Cardiovascular phenotype. Identifiers: MedGen CN230736.

gnomAD v4.1: 4 of 1,550,042 alleles (0.00026%); highest among the groups gnomAD compares: South Asian, 0.0035%; no homozygotes.

Submission:

Ambry Genetics
Classification: Uncertain significance for Cardiovascular phenotype. Last evaluated: 2024-09-17. Review status: criteria provided, single submitter. Criteria: Ambry Variant Classification Scheme 2023. Collection method: clinical testing. Allele origin: germline.
Comment: The p.V513M variant (also known as c.1537G>A), located in coding exon 2 of the TNXB gene, results from a G to A substitution at nucleotide position 1537. The valine at codon 513 is replaced by methionine, an amino acid with highly similar properties. This amino acid position is conserved. In addition, this alteration is predicted to be tolerated by in silico analysis. Based on the available evidence, the clinical significance of this variant remains unclear.